The following is an entry in ClinVar:

ClinVar aggregate classification (germline): Uncertain significance (1 of 4 stars; one submission).

Allele frequency attached by ClinVar (database versions not stated): TOPMed 0.00001.

Submission:

Labcorp Genetics (formerly Invitae), Labcorp
Classification: Uncertain significance. Last evaluated: 2022-11-01. Review status: criteria provided, single submitter. Criteria: Invitae Variant Classification Sherloc (09022015). Collection method: clinical testing. Allele origin: germline.
Comment: This sequence change replaces lysine, which is basic and polar, with asparagine, which is neutral and polar, at codon 87 of the NEUROD1 protein (p.Lys87Asn). In summary, the available evidence is currently insufficient to determine the role of this variant in disease. Therefore, it has been classified as a Variant of Uncertain Significance. Algorithms developed to predict the effect of missense changes on protein structure and function (SIFT, PolyPhen-2, Align-GVGD) all suggest that this variant is likely to be disruptive. This variant has not been reported in the literature in individuals affected with NEUROD1-related conditions. This variant is not present in population databases (gnomAD no frequency).

NM_002500.5(NEUROD1):c.261A>C (p.Lys87Asn)

Gene: NEUROD1 (neuronal differentiation 1; minus strand). Cytogenetic location: 2q31.3.
Variant type: single nucleotide variant.
Coding change: c.261A>C on transcript NM_002500.5 (MANE Select); coding-DNA position 261, A replaced by C.
Protein change: p.Lys87Asn; replaces lysine 87 with asparagine.
Molecular consequence: missense variant.
Genome position (GRCh38, 1-based): chr2:181,678,600, T>G on the plus strand (A>C on the coding strand, the complement: NEUROD1 is on the minus strand). VCF-style: chr2-181678600-T-G. GRCh37 (hg19) VCF-style: chr2-182543327-T-G.
Other names: short protein forms K87N.
Identifiers: ClinVar variation 2001024 (VCV002001024.4), dbSNP rs1688636483, ClinGen allele CA349786549.
Genomic context (GRCh38, chr2:181,678,600, plus strand): 5'-GTTAGCCTTCATGCGTCTCAATTTAAAACGCTCCAGGCGAGCCTTAGTCATCTTCTTCTT[T>G]TTGGGGCCGCGTCTCTTGGGCTTTTGATCGTCATCCTCCTCTTCCTCTTCTTCCTCCTCT-3'
Protein context (NP_002491.3, residues 77-97): DDQKPKRRGP[Lys87Asn]KKKMTKARLE